The following is an entry in ClinVar:

ClinVar aggregate classification (germline): Uncertain significance (1 of 4 stars; one submission).

Conditions:
Cystic fibrosis (CF). Also called: MUCOVISCIDOSIS. Identifiers: Orphanet 586, MedGen C0010674, MONDO:0009061, OMIM 219700. Disease mechanism: loss of function.

gnomAD v4.1: 1 of 1,613,984 alleles (0.000062%); highest among the groups gnomAD compares: Non-Finnish European, 0.000085%; no homozygotes.

Submission:

Labcorp Genetics (formerly Invitae), Labcorp
Classification: Uncertain significance for Cystic fibrosis. Last evaluated: 2025-06-09. Review status: criteria provided, single submitter. Criteria: Invitae Variant Classification Sherloc (09022015). Collection method: clinical testing. Allele origin: germline.
Comment: This sequence change replaces isoleucine, which is neutral and non-polar, with threonine, which is neutral and polar, at codon 906 of the CFTR protein (p.Ile906Thr). This variant is not present in population databases (gnomAD no frequency). This variant has not been reported in the literature in individuals affected with CFTR-related conditions. Invitae Evidence Modeling of protein sequence and biophysical properties (such as structural, functional, and spatial information, amino acid conservation, physicochemical variation, residue mobility, and thermodynamic stability) indicates that this missense variant is not expected to disrupt CFTR protein function with a negative predictive value of 80%. In summary, the available evidence is currently insufficient to determine the role of this variant in disease. Therefore, it has been classified as a Variant of Uncertain Significance.

NM_000492.4(CFTR):c.2717T>C (p.Ile906Thr)

Gene: CFTR (CF transmembrane conductance regulator; plus strand). Cytogenetic location: 7q31.2.
Variant type: single nucleotide variant.
Coding change: c.2717T>C on transcript NM_000492.4 (MANE Select); coding-DNA position 2717, T replaced by C.
Protein change: p.Ile906Thr; replaces isoleucine 906 with threonine.
Molecular consequence: missense variant.
Genome position (GRCh38, 1-based): chr7:117,603,591, T>C. VCF-style: chr7-117603591-T-C. GRCh37 (hg19) VCF-style: chr7-117243645-T-C.
Other names: short protein forms I906T.
Identifiers: ClinVar variation 4696361 (VCV004696361.1).